The following is an entry in ClinVar:

ClinVar aggregate classification (germline): Uncertain significance (1 of 4 stars; one submission).

Conditions:
PAX4-related disorder. Also called: PAX4-related condition.

Submission:

PreventionGenetics, part of Exact Sciences
Classification: Uncertain significance for PAX4-related condition. Last evaluated: 2026-06-30. Review status: criteria provided, single submitter. Criteria: ACMG Guidelines, 2015. Collection method: clinical testing. Allele origin: germline.
Comment: The PAX4 c.655C>T variant is predicted to result in the amino acid substitution p.Arg219Trp. To our knowledge, this variant has not been reported in the literature. This variant is reported in 0.016% of alleles in individuals of South Asian descent in gnomAD. At this time, the clinical significance of this variant is uncertain due to the absence of conclusive functional and genetic evidence.

NM_001366110.1(PAX4):c.679C>T (p.Arg227Trp)

Gene: PAX4 (paired box 4; minus strand). Cytogenetic location: 7q32.1.
Variant type: single nucleotide variant.
Coding change: c.679C>T on transcript NM_001366110.1 (MANE Select); coding-DNA position 679, C replaced by T.
Protein change: p.Arg227Trp; replaces arginine 227 with tryptophan.
Molecular consequence: missense variant.
Genome position (GRCh38, 1-based): chr7:127,613,058, G>A on the plus strand (C>T on the coding strand, the complement: PAX4 is on the minus strand). VCF-style: chr7-127613058-G-A. GRCh37 (hg19) VCF-style: chr7-127253112-G-A.
Other names: NM_006193.2:c.655C>T; c.679C>T, p.Arg227Trp (NM_001366111.1); short protein forms R227W.
Identifiers: ClinVar variation 4984139 (VCV004984139.1).